The following is an entry in ClinVar:

ClinVar aggregate classification (germline): Uncertain significance. Review status: criteria provided, multiple submitters, no conflicts (2 of 4 stars). 2 submissions from 2 submitters: Uncertain significance (2). Last evaluated 2023-07-16.

Conditions:
Joubert syndrome 23 (JBTS23). Identifiers: Orphanet 475, MedGen C4084822, MONDO:0014664, OMIM 616490.
Short-rib thoracic dysplasia 14 with polydactyly (SRTD14). Identifiers: Orphanet 397715, MedGen C4225286, MONDO:0014688, OMIM 616546.
Inborn genetic diseases. Identifiers: MedGen C0950123, MeSH D030342.

Allele frequency attached by ClinVar (database versions not stated): gnomAD 0.00001; gnomAD exomes 0.00001; TOPMed 0.00001; ExAC 0.00002.
gnomAD v4.1: 16 of 1,604,270 alleles (0.001%); highest among the groups gnomAD compares: South Asian, 0.0011%; no homozygotes.

Submissions (2):

Labcorp Genetics (formerly Invitae), Labcorp
Classification: Uncertain significance for Joubert syndrome 23; Short-rib thoracic dysplasia 14 with polydactyly. Last evaluated: 2023-07-16. Review status: criteria provided, single submitter. Criteria: Invitae Variant Classification Sherloc (09022015). Collection method: clinical testing. Allele origin: germline.
Comment: This sequence change replaces arginine, which is basic and polar, with cysteine, which is neutral and slightly polar, at codon 563 of the KIAA0586 protein (p.Arg563Cys). This variant is present in population databases (rs778123212, gnomAD 0.005%). This variant has not been reported in the literature in individuals affected with KIAA0586-related conditions. ClinVar contains an entry for this variant (Variation ID: 1480812). Advanced modeling of protein sequence and biophysical properties (such as structural, functional, and spatial information, amino acid conservation, physicochemical variation, residue mobility, and thermodynamic stability) performed at Invitae indicates that this missense variant is expected to disrupt KIAA0586 protein function. In summary, the available evidence is currently insufficient to determine the role of this variant in disease. Therefore, it has been classified as a Variant of Uncertain Significance.

Ambry Genetics
Classification: Uncertain significance for Inborn genetic diseases. Last evaluated: 2021-09-27. Review status: criteria provided, single submitter. Criteria: Ambry Variant Classification Scheme 2023. Collection method: clinical testing. Allele origin: germline.

NM_001329943.3(KIAA0586):c.1528C>T (p.Arg510Cys)

Gene: KIAA0586 (KIAA0586; plus strand). Cytogenetic location: 14q23.1.
Variant type: single nucleotide variant.
Coding change: c.1528C>T on transcript NM_001329943.3 (MANE Select); coding-DNA position 1528, C replaced by T.
Protein change: p.Arg510Cys; replaces arginine 510 with cysteine.
Molecular consequence: missense variant.
Genome position (GRCh38, 1-based): chr14:58,457,924, C>T. VCF-style: chr14-58457924-C-T. GRCh37 (hg19) VCF-style: chr14-58924642-C-T.
Other names: c.1687C>T, p.Arg563Cys (NM_001244189.2); c.1483C>T, p.Arg495Cys (NM_001244190.2); c.1273C>T, p.Arg425Cys (NM_001244191.2, NM_001329945.2, NM_001364700.1 and 1 more transcripts); c.1396C>T, p.Arg466Cys (NM_001244192.2); c.1108C>T, p.Arg370Cys (NM_001244193.2); c.1528C>T, p.Arg510Cys (NM_001329944.2, NM_001329946.2, NM_001329947.2 and 1 more transcripts); c.1528C>T (NM_014749.3); short protein forms R370C, R466C, R425C, R495C, R510C, R563C.
Identifiers: ClinVar variation 1480812 (VCV001480812.7), dbSNP rs778123212, ClinGen allele CA7205676.